The following is an entry in ClinVar:

NM_058216.3(RAD51C):c.145+5C>G

Genes: RAD51C (RAD51 paralog C; plus strand), LOC130061310 (ATAC-STARR-seq lymphoblastoid active region 12491; plus strand). Cytogenetic location: 17q22.
Variant type: single nucleotide variant.
Coding change: c.145+5C>G on transcript NM_058216.3 (MANE Select); 5 bases into the intron after coding-DNA position 145, C replaced by G.
Molecular consequence: intron variant.
Genome position (GRCh38, 1-based): chr17:58,692,793, C>G. VCF-style: chr17-58692793-C-G. GRCh37 (hg19) VCF-style: chr17-56770154-C-G.
Other names: c.145+5C>G (NM_002876.4).
Identifiers: ClinVar variation 3228946 (VCV003228946.2), dbSNP rs876660577, ClinGen allele CA2733648660.
Genomic context (GRCh38, chr17:58,692,793, plus strand): 5'-GGGGTTCCAGACTGCTGAGGAACTCCTAGAGGTGAAACCCTCCGAGCTTAGCAAAGGTAA[C>G]GACTCCTGATGGCAAGCTGAGGCACACCGGCCGCCGTCAGCGCCGCCTCAGTCTTCGTTC-3'

ClinVar aggregate classification (germline): Conflicting classifications of pathogenicity. Review status: criteria provided, conflicting classifications (1 of 4 stars). 2 submissions from 2 submitters: Uncertain significance (1); Likely benign (1). Last evaluated 2025-02-14.

Conditions:
Hereditary cancer-predisposing syndrome. Also called: Neoplastic Syndromes, Hereditary; Tumor predisposition; Hereditary neoplastic syndrome; Hereditary Cancer Syndrome. Identifiers: Orphanet 140162, MedGen C0027672, MeSH D009386, MONDO:0015356.
Breast-ovarian cancer, familial, susceptibility to, 3. Also called: RAD51C-Related Breast/Ovarian Cancer. Identifiers: Orphanet 145, MedGen C3150659, MONDO:0013253, OMIM 613399.

Submissions (2):

Myriad Genetics, Inc.
Classification: Likely benign for Breast-ovarian cancer, familial, susceptibility to, 3. Last evaluated: 2025-02-14. Review status: criteria provided, single submitter. Criteria: Myriad Autosomal Dominant, Autosomal Recessive and X-Linked Classification Criteria (2023). Collection method: clinical testing. Allele origin: unknown.
Comment: This variant is considered likely benign. This variant is intronic and is not expected to impact mRNA splicing.

Ambry Genetics
Classification: Uncertain significance for Hereditary cancer-predisposing syndrome. Last evaluated: 2023-11-28. Review status: criteria provided, single submitter. Criteria: Ambry Variant Classification Scheme 2023. Collection method: clinical testing. Allele origin: germline.
Comment: The c.145+5C>G intronic variant results from a C to G substitution 5 nucleotides after coding exon 1 in the RAD51C gene. This nucleotide position is not well conserved in available vertebrate species. In silico splice site analysis predicts that this alteration will not have any significant effect on splicing. Since supporting evidence is limited at this time, the clinical significance of this alteration remains unclear.